The following is an entry in ClinVar:

ClinVar aggregate classification (germline): Likely benign (1 of 4 stars; one submission).

Conditions:
Familial adenomatous polyposis 1 (FAP1). Also called: POLYPOSIS, ADENOMATOUS INTESTINAL; FAMILIAL ADENOMATOUS POLYPOSIS 1, ATTENUATED. Identifiers: MedGen C2713442, MONDO:0021056, OMIM 175100. Disease mechanism: loss of function.

Submission:

Myriad Genetics, Inc.
Classification: Likely benign for Familial adenomatous polyposis 1. Last evaluated: 2024-02-22. Review status: criteria provided, single submitter. Criteria: Myriad Autosomal Dominant, Autosomal Recessive and X-Linked Classification Criteria (2023). Collection method: clinical testing. Allele origin: unknown.
Comment: This variant is considered likely benign. This variant is intronic and is not expected to impact mRNA splicing.

NM_000038.6(APC):c.221-6A>G

Gene: APC (APC regulator of Wnt signaling pathway; plus strand). Cytogenetic location: 5q22.2.
Variant type: single nucleotide variant.
Coding change: c.221-6A>G on transcript NM_000038.6 (MANE Select); 6 bases into the intron before coding-DNA position 221, A replaced by G.
Molecular consequence: intron variant.
Genome position (GRCh38, 1-based): chr5:112,767,183, A>G. VCF-style: chr5-112767183-A-G. GRCh37 (hg19) VCF-style: chr5-112102880-A-G.
Other names: c.-815-6A>G (NM_001407470.1, NM_001407472.1, NM_001354906.2 and 1 more transcripts); c.221-6A>G (NM_001407447.1, NM_001354895.2, NM_001407456.1 and 16 more transcripts); c.251-6A>G (NM_001407446.1, NM_001354897.2, NM_001354902.2 and 1 more transcripts); c.44-6A>G (NM_001407453.1, NM_001354900.2, NM_001354901.2 and 1 more transcripts); c.146-6A>G (NM_001407451.1, NM_001354898.2, NM_001354904.2).
Identifiers: ClinVar variation 3148239 (VCV003148239.1), dbSNP rs2149787417, ClinGen allele CA2709972937.